The following is an entry in ClinVar:

ClinVar aggregate classification (germline): Likely benign (0 of 4 stars; one submission).

Conditions:
MUC16-related disorder. Also called: MUC16-related condition.

Allele frequency attached by ClinVar (database versions not stated): ExAC 0.00001.

Submission:

PreventionGenetics, part of Exact Sciences
Classification: Likely benign for MUC16-related condition. Last evaluated: 2019-10-17. Review status: no assertion criteria provided. Collection method: clinical testing. Allele origin: germline.
Comment: This variant is classified as likely benign based on ACMG/AMP sequence variant interpretation guidelines (Richards et al. 2015 PMID: 25741868, with internal and published modifications).

NM_001401501.2(MUC16):c.43476G>A (p.Glu14492=)

Gene: MUC16 (mucin 16, cell surface associated; minus strand). Cytogenetic location: 19p13.2.
Variant type: single nucleotide variant.
Coding change: c.43476G>A on transcript NM_001401501.2 (MANE Select); coding-DNA position 43476, G replaced by A.
Protein change: p.Glu14492=; no amino-acid change (glutamic acid 14492 retained).
Molecular consequence: synonymous variant.
Genome position (GRCh38, 1-based): chr19:8,886,796, C>T on the plus strand (G>A on the coding strand, the complement: MUC16 is on the minus strand). VCF-style: chr19-8886796-C-T. GRCh37 (hg19) VCF-style: chr19-8997472-C-T.
Other names: c.43902G>A, p.Glu14634= (NM_001414686.1); c.43356G>A, p.Glu14452= (NM_001414687.1); c.40950G>A, p.Glu13650= (NM_024690.2).
Identifiers: ClinVar variation 3056002 (VCV003056002.2), dbSNP rs113387108, ClinGen allele CA9163047.